The following is an entry in ClinVar:

NM_004336.5(BUB1):c.91A>C (p.Ile31Leu)

Gene: BUB1 (BUB1 mitotic checkpoint serine/threonine kinase; minus strand). Cytogenetic location: 2q13.
Variant type: single nucleotide variant.
Coding change: c.91A>C on transcript NM_004336.5 (MANE Select); coding-DNA position 91, A replaced by C.
Protein change: p.Ile31Leu; replaces isoleucine 31 with leucine.
Molecular consequence: missense variant.
Genome position (GRCh38, 1-based): chr2:110,674,220, T>G on the plus strand (A>C on the coding strand, the complement: BUB1 is on the minus strand). VCF-style: chr2-110674220-T-G. GRCh37 (hg19) VCF-style: chr2-111431797-T-G.
Other names: c.31A>C, p.Ile11Leu (NM_001278616.2); c.91A>C, p.Ile31Leu (NM_001278617.2); short protein forms I31L, I11L.
Identifiers: ClinVar variation 3224130 (VCV003224130.1), dbSNP rs2468038798, ClinGen allele CA348221567.

ClinVar aggregate classification (germline): Uncertain significance (1 of 4 stars; one submission).

Submission:

Ambry Genetics
Classification: Uncertain significance. Last evaluated: 2023-11-27. Review status: criteria provided, single submitter. Criteria: Ambry Variant Classification Scheme 2023. Collection method: clinical testing. Allele origin: germline.
Comment: The p.I31L variant (also known as c.91A>C), located in coding exon 3 of the BUB1 gene, results from an A to C substitution at nucleotide position 91. The isoleucine at codon 31 is replaced by leucine, an amino acid with highly similar properties. This amino acid position is conserved. In addition, this alteration is predicted to be tolerated by in silico analysis. Since supporting evidence is limited at this time, the clinical significance of this alteration remains unclear.